The following is an entry in ClinVar:

ClinVar aggregate classification (germline): Uncertain significance. Review status: criteria provided, single submitter (1 of 4 stars). 2 submissions from 2 submitters: Uncertain significance (1). 1 of the submissions does not count toward it. Last evaluated 2025-02-21.

Conditions:
Congenital myotonia, autosomal dominant form (THD). Also called: THOMSEN DISEASE; Myotonia congenita autosomal dominant. Identifiers: Orphanet 614, MedGen C2936781, MONDO:0008055, OMIM 160800.
Congenital myotonia, autosomal recessive form. Also called: Becker Generalized Myotonia; myotonia congenita, autosomal recessive; BECKER DISEASE. Identifiers: Orphanet 614, MedGen C0751360, MONDO:0009715, OMIM 255700.

Allele frequency attached by ClinVar (database versions not stated): gnomAD exomes below 0.00001; TOPMed 0.00001.
gnomAD v4.1: 6 of 1,614,086 alleles (0.00037%); highest among the groups gnomAD compares: East Asian, 0.0045%; no homozygotes.

Submissions (2):

Labcorp Genetics (formerly Invitae), Labcorp
Classification: Uncertain significance for Congenital myotonia, autosomal recessive form; Congenital myotonia, autosomal dominant form. Last evaluated: 2025-02-21. Review status: criteria provided, single submitter. Criteria: Invitae Variant Classification Sherloc (09022015). Collection method: clinical testing. Allele origin: germline.
Comment: This sequence change replaces isoleucine, which is neutral and non-polar, with threonine, which is neutral and polar, at codon 870 of the CLCN1 protein (p.Ile870Thr). This variant is present in population databases (no rsID available, gnomAD 0.0009%). This missense change has been observed in individual(s) with autosomal recessive non-dystrophic myotonia (PMID: 35907044). ClinVar contains an entry for this variant (Variation ID: 1059958). Invitae Evidence Modeling of protein sequence and biophysical properties (such as structural, functional, and spatial information, amino acid conservation, physicochemical variation, residue mobility, and thermodynamic stability) has been performed for this missense variant. However, the output from this modeling did not meet the statistical confidence thresholds required to predict the impact of this variant on CLCN1 protein function. In summary, the available evidence is currently insufficient to determine the role of this variant in disease. Therefore, it has been classified as a Variant of Uncertain Significance.

Department of Neurology and Geriatrics, Kagoshima University Graduate School of Medical and Dental Sciences
Classification: Uncertain significance for Congenital myotonia, autosomal recessive form. Last evaluated: 2022-04-06. Review status: no assertion criteria provided. Collection method: research. Allele origin: germline. Affected: yes. Not counted in ClinVar's aggregate classification.

Literature cited by the submitters: PubMed 35907044 (cited by Labcorp Genetics (formerly Invitae), Labcorp).

NM_000083.3(CLCN1):c.2609T>C (p.Ile870Thr)

Gene: CLCN1 (chloride voltage-gated channel 1; plus strand). Cytogenetic location: 7q34.
Variant type: single nucleotide variant.
Coding change: c.2609T>C on transcript NM_000083.3 (MANE Select); coding-DNA position 2609, T replaced by C.
Protein change: p.Ile870Thr; replaces isoleucine 870 with threonine.
Molecular consequence: missense variant. On other transcripts: non-coding transcript variant (1).
Genome position (GRCh38, 1-based): chr7:143,351,607, T>C. VCF-style: chr7-143351607-T-C. GRCh37 (hg19) VCF-style: chr7-143048700-T-C.
Other names: short protein forms I870T.
Identifiers: ClinVar variation 1059958 (VCV001059958.9), dbSNP rs1319094688, ClinGen allele CA369653453.